The following is an entry in ClinVar:

ClinVar aggregate classification (germline): other (0 of 4 stars; one submission).

Conditions:
Familial colorectal cancer. Identifiers: MedGen CN280943, MONDO:0023113. Disease mechanism: loss of function.

Submission:

Systems Biology Platform Zhejiang California International NanoSystems Institute
Classification: other for Familial colorectal cancer. Review status: no assertion criteria provided. Collection method: not provided. Allele origin: unknown.
ClinVar note: Converted during submission from cancer to other.

NM_000038.6(APC):c.729+2184T>C

Gene: APC (APC regulator of WNT signaling pathway; plus strand). Cytogenetic location: 5q22.2.
Variant type: single nucleotide variant.
Coding change: c.729+2184T>C on transcript NM_000038.6 (MANE Select); 2184 bases into the intron after coding-DNA position 729, T replaced by C.
Molecular consequence: intron variant.
Genome position (GRCh38, 1-based): chr5:112,794,713, T>C. VCF-style: chr5-112794713-T-C. GRCh37 (hg19) VCF-style: chr5-112130410-T-C.
Other names: c.729+2184T>C (NM_001354895.2, NM_001127510.3, NM_001354896.2 and 1 more transcripts); c.759+2184T>C (NM_001354897.2, NM_001354902.2); c.676-6566T>C (NM_001127511.3); c.654+2184T>C (NM_001354898.2, NM_001354904.2); c.-307+2184T>C (NM_001354906.2); c.646-6566T>C (NM_001354899.2); c.552+2184T>C (NM_001354900.2, NM_001354901.2, NM_001354905.2).
Identifiers: ClinVar variation 82490 (VCV000082490.2), dbSNP rs76600947, ClinGen allele CA013104.